The following is an entry in ClinVar:

ClinVar aggregate classification (germline): Conflicting classifications of pathogenicity. Review status: criteria provided, conflicting classifications (1 of 4 stars). 2 submissions from 2 submitters: Uncertain significance (1); Likely benign (1). Last evaluated 2024-03-06.

Conditions:
Nephrolithiasis/nephrocalcinosis. Identifiers: MedGen CN580796.
Familial hypocalciuric hypercalcemia (FHH). Also called: Familial benign hypercalcemia. Identifiers: Orphanet 405, MedGen C1809471, MONDO:0018458.
Autosomal dominant hypocalcemia 1 (HYPOC1). Also called: HYPOCALCEMIA, FAMILIAL. Identifiers: MedGen C3715128, MONDO:0011013, OMIM 601198.

Allele frequency attached by ClinVar (database versions not stated): TOPMed below 0.00001.
gnomAD v4.1: 2 of 1,614,050 alleles (0.00012%); highest among the groups gnomAD compares: South Asian, 0.0022%; no homozygotes.

Submissions (2):

Labcorp Genetics (formerly Invitae), Labcorp
Classification: Uncertain significance for Familial hypocalciuric hypercalcemia; Autosomal dominant hypocalcemia 1. Last evaluated: 2024-03-06. Review status: criteria provided, single submitter. Criteria: Invitae Variant Classification Sherloc (09022015). Collection method: clinical testing. Allele origin: germline.
Comment: This sequence change replaces valine, which is neutral and non-polar, with isoleucine, which is neutral and non-polar, at codon 1075 of the CASR protein (p.Val1075Ile). This variant is not present in population databases (gnomAD no frequency). This variant has not been reported in the literature in individuals affected with CASR-related conditions. ClinVar contains an entry for this variant (Variation ID: 1047765). Algorithms developed to predict the effect of missense changes on protein structure and function output the following: SIFT: "Not Available"; PolyPhen-2: "Benign"; Align-GVGD: "Not Available". The isoleucine amino acid residue is found in multiple mammalian species, which suggests that this missense change does not adversely affect protein function. In summary, the available evidence is currently insufficient to determine the role of this variant in disease. Therefore, it has been classified as a Variant of Uncertain Significance.

Ambry Genetics
Classification: Likely benign for Nephrolithiasis/nephrocalcinosis. Last evaluated: 2021-03-04. Review status: criteria provided, single submitter. Criteria: Ambry Variant Classification Scheme 2023. Collection method: clinical testing. Allele origin: germline.

NM_000388.4(CASR):c.3223G>A (p.Val1075Ile)

Gene: CASR (calcium sensing receptor; plus strand). Cytogenetic location: 3q21.1.
Variant type: single nucleotide variant.
Coding change: c.3223G>A on transcript NM_000388.4 (MANE Select); coding-DNA position 3223, G replaced by A.
Protein change: p.Val1075Ile; replaces valine 1075 with isoleucine.
Molecular consequence: missense variant.
Genome position (GRCh38, 1-based): chr3:122,285,177, G>A. VCF-style: chr3-122285177-G-A. GRCh37 (hg19) VCF-style: chr3-122004024-G-A.
Other names: c.3253G>A, p.Val1085Ile (NM_001178065.2); short protein forms V1075I, V1085I.
Identifiers: ClinVar variation 1047765 (VCV001047765.11), dbSNP rs748855270, ClinGen allele CA354161815.